The following is an entry in ClinVar:

NM_000186.4(CFH):c.3468dup (p.Trp1157fs)

Gene: CFH (complement factor H; plus strand). Cytogenetic location: 1q31.3.
Variant type: Duplication.
Coding change: c.3468dup on transcript NM_000186.4 (MANE Select); coding-DNA position 3468, one base duplicated (A; older notation c.3468dupA).
Protein change: p.Trp1157fs; shifts the reading frame from tryptophan 1157.
Molecular consequence: frameshift variant.
Genome position (GRCh38, 1-based): chr1:196,745,974, A duplicated; the last of 2 consecutive A bases (chr1:196,745,973-196,745,974); duplicating either gives the same sequence. VCF-style (leftmost placement, unchanged base first): chr1-196745972-C-CA. GRCh37 (hg19) VCF-style: chr1-196715102-C-CA.
Other names: short protein forms W1157fs.
Identifiers: ClinVar variation 4291579 (VCV004291579.1).

ClinVar aggregate classification (germline): Pathogenic, low penetrance (1 of 4 stars; one submission).

Conditions:
Atypical hemolytic-uremic syndrome. Identifiers: Orphanet 2134, MedGen C2931788, MONDO:0016244.

Submission:

Genomenon, Inc
Classification: Pathogenic, low penetrance for Atypical hemolytic-uremic syndrome. Last evaluated: 2025-10-02. Review status: criteria provided, single submitter. Criteria: Genomenon Sequence Variant Interpretation Standards - Updated. Collection method: curation. Allele origin: germline. Affected: yes.
Comment: CFH p.Trp1157MetfsTer22 (c.3468dup) is a frameshift variant that results in the production of a truncated protein. This variant has been observed in at least one proband affected with atypical hemolytic-uremic syndrome (PMID:22223611;27268256;28596415). It is absent or not present at a significant frequency in gnomAD. In conclusion, we classify CFH p.Trp1157MetfsTer22 (c.3468dup) as a pathogenic, low penetrance variant.

Literature cited by the submitters: PubMed 22223611; PubMed 27268256; PubMed 28596415.